The following is an entry in ClinVar:

ClinVar aggregate classification (germline): Pathogenic. Review status: criteria provided, single submitter (1 of 4 stars). 2 submissions from 2 submitters: Pathogenic (1). 1 of the submissions does not count toward it. Last evaluated 2019-11-26.

Conditions:
Steinert myotonic dystrophy syndrome (DM1). Also called: STEINERT DISEASE; Myotonic dystrophy type 1; Dystrophia myotonica type 1; Steinert myotonic dystrophy; Steinert's disease. Identifiers: Orphanet 273, MedGen C3250443, MONDO:0008056, OMIM 160900.

Submissions (2):

Neuromuscular Research, Maastricht University Medical Centre
Classification: Pathogenic for Steinert myotonic dystrophy syndrome. Last evaluated: 2019-11-26. Review status: criteria provided, single submitter. Criteria: Best practice guidelines on molecular diagnosis DM1 and DM2, Kamsteeg et al. 2012. Collection method: clinical testing. Allele origin: inherited, paternal. Affected: yes.

Institute of Molecular, Cell and Systems Biology, University of Glasgow
Classification: Pathogenic for Steinert myotonic dystrophy syndrome. Review status: no assertion criteria provided. Criteria: research. Collection method: research. Allele origin: germline. Inheritance: Autosomal dominant inheritance. Affected: yes. Observed: 1 heterozygote. Not counted in ClinVar's aggregate classification.
Comment: DMPK CTG repeat expansions greater than approximately 45-50 repeats are assumed to be pathogenic

This record is based on data published in PubMed 25052313, which reports only ClinVar accessions SCV000120188 and SCV000120189. The complete data set includes SCV000207445 - SCV000207579.

Literature cited by the submitters: PubMed 32203199 (cited by Neuromuscular Research, Maastricht University Medical Centre); PubMed 1346923 (cited by Institute of Molecular, Cell and Systems Biology, University of Glasgow); PubMed 1546326 (cited by Institute of Molecular, Cell and Systems Biology, University of Glasgow); PubMed 25052313 (cited by Institute of Molecular, Cell and Systems Biology, University of Glasgow).

NM_004409.5(DMPK):c.*224CTG[60]

Genes: DM1-AS (DM1 locus antisense RNA; plus strand), DMPK (DM1 protein kinase; minus strand), LOC107075317 (origin of replication in DMPK trinucleotide repeat region; plus strand), LOC109461477 (dystrophia myotonica protein kinase repeat instability region; plus strand). Cytogenetic location: 19q13.32.
Variant type: Microsatellite.
Coding change: c.*224CTG[60] on transcript NM_004409.5 (MANE Select); 60 copies in a row of the 3-base unit CTG starting at c.*224.
Molecular consequence: 3 prime UTR variant.
Genome position: GRCh38, VCF-style position (the base before the change): chr19:45,770,204. GRCh37 (hg19), VCF-style position (the base before the change): chr19:46,273,462.
Other names: DM1 CTG repeat expansion; c.*224CTG[60] (NM_001081560.3, NM_001288764.2, NM_001424165.1 and 1 more transcripts); c.*217CTG[60] (NM_001081562.3, NM_001288765.2, NM_001424162.1 and 2 more transcripts); c.*222_*224TGC[60] (NM_001081563.3); c.*369CTG[60] (NM_001288766.2, NM_001424164.1, NM_001424168.1).
Identifiers: ClinVar variation 188012 (VCV000188012.3), ClinGen allele CA915951841.